The following is an entry in ClinVar:

ClinVar aggregate classification (germline): Uncertain significance. Review status: criteria provided, multiple submitters, no conflicts (2 of 4 stars). 2 submissions from 2 submitters: Uncertain significance (2). Last evaluated 2024-07-30.

Conditions:
Gorlin syndrome. Also called: Basal cell nevus syndrome; Nevoid Basal Cell Carcinoma Syndrome. Identifiers: Orphanet 377, MedGen C0004779, MONDO:0007187.
Hereditary cancer-predisposing syndrome. Also called: Neoplastic Syndromes, Hereditary; Tumor predisposition; Hereditary neoplastic syndrome; Hereditary Cancer Syndrome. Identifiers: Orphanet 140162, MedGen C0027672, MeSH D009386, MONDO:0015356.

Submissions (2):

Labcorp Genetics (formerly Invitae), Labcorp
Classification: Uncertain significance for Gorlin syndrome. Last evaluated: 2024-07-30. Review status: criteria provided, single submitter. Criteria: Invitae Variant Classification Sherloc (09022015). Collection method: clinical testing. Allele origin: germline.
Comment: This sequence change replaces aspartic acid, which is acidic and polar, with alanine, which is neutral and non-polar, at codon 857 of the PTCH1 protein (p.Asp857Ala). This variant is not present in population databases (gnomAD no frequency). This variant has not been reported in the literature in individuals affected with PTCH1-related conditions. ClinVar contains an entry for this variant (Variation ID: 1793236). Advanced modeling of protein sequence and biophysical properties (such as structural, functional, and spatial information, amino acid conservation, physicochemical variation, residue mobility, and thermodynamic stability) performed at Invitae indicates that this missense variant is not expected to disrupt PTCH1 protein function with a negative predictive value of 95%. In summary, the available evidence is currently insufficient to determine the role of this variant in disease. Therefore, it has been classified as a Variant of Uncertain Significance.

Ambry Genetics
Classification: Uncertain significance for Hereditary cancer-predisposing syndrome. Last evaluated: 2022-05-26. Review status: criteria provided, single submitter. Criteria: Ambry Variant Classification Scheme 2023. Collection method: clinical testing. Allele origin: germline.
Comment: The p.D857A variant (also known as c.2570A>C), located in coding exon 16 of the PTCH1 gene, results from an A to C substitution at nucleotide position 2570. The aspartic acid at codon 857 is replaced by alanine, an amino acid with dissimilar properties. This amino acid position is conserved. In addition, the in silico prediction for this alteration is inconclusive. Since supporting evidence is limited at this time, the clinical significance of this alteration remains unclear.

NM_000264.5(PTCH1):c.2570A>C (p.Asp857Ala)

Gene: PTCH1 (patched 1; minus strand). Cytogenetic location: 9q22.32.
Variant type: single nucleotide variant.
Coding change: c.2570A>C on transcript NM_000264.5 (MANE Select); coding-DNA position 2570, A replaced by C.
Protein change: p.Asp857Ala; replaces aspartic acid 857 with alanine.
Molecular consequence: missense variant. On other transcripts: non-coding transcript variant (1).
Genome position (GRCh38, 1-based): chr9:95,461,989, T>G on the plus strand (A>C on the coding strand, the complement: PTCH1 is on the minus strand). VCF-style: chr9-95461989-T-G. GRCh37 (hg19) VCF-style: chr9-98224271-T-G.
Other names: c.2372A>C, p.Asp791Ala (NM_001083602.3); c.2567A>C, p.Asp856Ala (NM_001083603.3); c.2117A>C, p.Asp706Ala (NM_001083604.3, NM_001083605.3, NM_001083606.3 and 1 more transcripts); c.2414A>C, p.Asp805Ala (NM_001354918.2); short protein forms D856A, D857A, D706A, D791A, D805A.
Identifiers: ClinVar variation 1793236 (VCV001793236.4), dbSNP rs763119366, ClinGen allele CA374113576.
Genomic context (GRCh38, chr9:95,461,989, plus strand): 5'-GATCCATTCTTGTAATTGTTTGGCATGATTTTCCCGGTTTCCCAGTCACTGTCAAATGCA[T>G]CCTGAAGTCCTAGAAATGGCAAATGATTGTAACACATTATAACTCGCAGCCAGAAGGACC-3'
Protein context (NP_000255.2, residues 847-867): YFRDWLQGLQ[Asp857Ala]AFDSDWETGK